The following is an entry in ClinVar:

ClinVar aggregate classification (germline): Uncertain significance. Review status: criteria provided, multiple submitters, no conflicts (2 of 4 stars). 2 submissions from 2 submitters: Uncertain significance (2). Last evaluated 2025-12-23.

Conditions:
Familial sleep-related hypermotor epilepsy. Also called: Autosomal Dominant Sleep-Related Hypermotor (Hyperkinetic) Epilepsy. Identifiers: Orphanet 98784, MedGen C3696898, MONDO:0000030.
Autosomal dominant nocturnal frontal lobe epilepsy 3. Also called: CHRNB2-Related Nocturnal Frontal Lobe Epilepsy, Autosomal Dominant. Identifiers: Orphanet 98784, MedGen C1854335, MONDO:0011545, OMIM 605375.

Allele frequency attached by ClinVar (database versions not stated): ExAC 0.00001; gnomAD exomes below 0.00001.
gnomAD v4.1: 7 of 1,613,830 alleles (0.00043%); highest among the groups gnomAD compares: South Asian, 0.0066%; no homozygotes.

Submissions (2):

Labcorp Genetics (formerly Invitae), Labcorp
Classification: Uncertain significance. Last evaluated: 2025-12-23. Review status: criteria provided, single submitter. Criteria: Invitae Variant Classification Sherloc (09022015). Collection method: clinical testing. Allele origin: germline.
Comment: This sequence change replaces glycine, which is neutral and non-polar, with glutamic acid, which is acidic and polar, at codon 22 of the CHRNB2 protein (p.Gly22Glu). This variant is present in population databases (rs761316238, gnomAD 0.003%). This variant has not been reported in the literature in individuals affected with CHRNB2-related conditions. ClinVar contains an entry for this variant (Variation ID: 2688781). An algorithm developed to predict the effect of missense changes on protein structure and function outputs the following: PolyPhen-2: "Benign". The glutamic acid amino acid residue is found in multiple mammalian species, which suggests that this missense change does not adversely affect protein function. In summary, the available evidence is currently insufficient to determine the role of this variant in disease. Therefore, it has been classified as a Variant of Uncertain Significance.

Revvity Omics, Revvity
Classification: Uncertain significance for Autosomal dominant nocturnal frontal lobe epilepsy 3. Last evaluated: 2023-11-02. Review status: criteria provided, single submitter. Criteria: ACMG Guidelines, 2015. Collection method: clinical testing. Allele origin: germline.

NM_000748.3(CHRNB2):c.65G>A (p.Gly22Glu)

Gene: CHRNB2 (cholinergic receptor nicotinic beta 2 subunit; plus strand). Cytogenetic location: 1q21.3.
Variant type: single nucleotide variant.
Coding change: c.65G>A on transcript NM_000748.3 (MANE Select); coding-DNA position 65, G replaced by A.
Protein change: p.Gly22Glu; replaces glycine 22 with glutamic acid.
Molecular consequence: missense variant.
Genome position (GRCh38, 1-based): chr1:154,569,462, G>A. VCF-style: chr1-154569462-G-A. GRCh37 (hg19) VCF-style: chr1-154541938-G-A.
Other names: short protein forms G22E.
Identifiers: ClinVar variation 2688781 (VCV002688781.3), dbSNP rs761316238, ClinGen allele CA1130619.
Genomic context (GRCh38, chr1:154,569,462, plus strand): 5'-TGGGATGCTGGGTGGGCTCTCCTTGCCTGCTTACTTTCGTCCTGCCTTTCCCCTGCCCAG[G>A]GGTGTGGGGTACGGATACAGAGGAGCGGCTGGTGGAGCATCTCCTGGATCCTTCCCGCTA-3'
Protein context (NP_000739.1, residues 12-32): LGFGLLRLCS[Gly22Glu]VWGTDTEERL